The following is an entry in ClinVar:

ClinVar aggregate classification (germline): Pathogenic (1 of 4 stars; one submission).

Conditions:
Combined oxidative phosphorylation defect type 17. Also called: Combined oxidative phosphorylation deficiency 17. Identifiers: Orphanet 369913, MedGen C3809526, MONDO:0014190, OMIM 615440.

Submission:

Labcorp Genetics (formerly Invitae), Labcorp
Classification: Pathogenic for Combined oxidative phosphorylation defect type 17. Last evaluated: 2025-10-08. Review status: criteria provided, single submitter. Criteria: Invitae Variant Classification Sherloc (09022015). Collection method: clinical testing. Allele origin: germline.
Comment: This sequence change creates a premature translational stop signal (p.Ala11Aspfs*88) in the ELAC2 gene. It is expected to result in an absent or disrupted protein product. Loss-of-function variants in ELAC2 are known to be pathogenic (PMID: 27769300, 31045291). This variant is present in population databases (no rsID available, gnomAD 0.01%). This variant has not been reported in the literature in individuals affected with ELAC2-related conditions. ClinVar contains an entry for this variant (Variation ID: 3681731). For these reasons, this variant has been classified as Pathogenic.

Literature cited by the submitters: PubMed 27769300; PubMed 31045291.

NM_018127.7(ELAC2):c.30_36del (p.Ala11fs)

Gene: ELAC2 (elaC ribonuclease Z 2; minus strand). Cytogenetic location: 17p12.
Variant type: Deletion.
Coding change: c.30_36del on transcript NM_018127.7 (MANE Select); coding-DNA positions 30 to 36, 7 bases deleted (CGCGGCC; older notation c.30_36delCGCGGCC).
Protein change: p.Ala11fs; shifts the reading frame from alanine 11.
Molecular consequence: frameshift variant.
Genome position (GRCh38, 1-based): chr17:13,017,912-13,017,918, GGCCGCG deleted on the plus strand (CGCGGCC on the coding strand, the reverse complement: ELAC2 is on the minus strand); deleting any 7 consecutive bases within chr17:13,017,912-13,017,919 gives the same sequence; the c. name uses the placement nearest the transcript's 3' end. VCF-style (leftmost placement, unchanged base first): chr17-13017911-CGGCCGCG-C. GRCh37 (hg19) VCF-style: chr17-12921228-CGGCCGCG-C.
Other names: c.30_36del, p.Ala11fs (NM_001165962.2, NM_173717.2); short protein forms A11fs.
Identifiers: ClinVar variation 3681731 (VCV003681731.2).